The following is an entry in ClinVar:

NM_004329.3(BMPR1A):c.995T>C (p.Leu332Pro)

Gene: BMPR1A (bone morphogenetic protein receptor type 1A; plus strand). Cytogenetic location: 10q23.2.
Variant type: single nucleotide variant.
Coding change: c.995T>C on transcript NM_004329.3 (MANE Select); coding-DNA position 995, T replaced by C.
Protein change: p.Leu332Pro; replaces leucine 332 with proline.
Molecular consequence: missense variant.
Genome position (GRCh38, 1-based): chr10:86,919,298, T>C. VCF-style: chr10-86919298-T-C. GRCh37 (hg19) VCF-style: chr10-88679055-T-C.
Other names: short protein forms L332P.
Identifiers: ClinVar variation 419459 (VCV000419459.19), dbSNP rs1064793886, ClinGen allele CA16619007.

ClinVar aggregate classification (germline): Uncertain significance. Review status: criteria provided, multiple submitters, no conflicts (2 of 4 stars). 5 submissions from 5 submitters: Uncertain significance (5). Last evaluated 2025-12-17.

Conditions:
Hereditary cancer-predisposing syndrome. Also called: Hereditary neoplastic syndrome; Hereditary Cancer Syndrome; Neoplastic Syndromes, Hereditary; Tumor predisposition. Identifiers: Orphanet 140162, MedGen C0027672, MeSH D009386, MONDO:0015356.
Juvenile polyposis syndrome (JPS). Identifiers: Orphanet 2929, MedGen C0345893, MONDO:0017380, OMIM 174900.

Allele frequency attached by ClinVar (database versions not stated): gnomAD exomes below 0.00001; gnomAD 0.00001.
gnomAD v4.1: 5 of 1,613,892 alleles (0.00031%); highest among the groups gnomAD compares: Non-Finnish European, 0.00042%; no homozygotes.

Submissions (5):

Labcorp Genetics (formerly Invitae), Labcorp
Classification: Uncertain significance for Juvenile polyposis syndrome. Last evaluated: 2025-12-17. Review status: criteria provided, single submitter. Criteria: Invitae Variant Classification Sherloc (09022015). Collection method: clinical testing. Allele origin: germline.
Comment: This sequence change replaces leucine, which is neutral and non-polar, with proline, which is neutral and non-polar, at codon 332 of the BMPR1A protein (p.Leu332Pro). This variant is present in population databases (no rsID available, gnomAD 0.002%). This missense change has been observed in individual(s) with BMPR1A-related conditions (PMID: 27978560, 34326862). ClinVar contains an entry for this variant (Variation ID: 419459). Invitae Evidence Modeling of protein sequence and biophysical properties (such as structural, functional, and spatial information, amino acid conservation, physicochemical variation, residue mobility, and thermodynamic stability) indicates that this missense variant is expected to disrupt BMPR1A protein function with a positive predictive value of 95%. In summary, the available evidence is currently insufficient to determine the role of this variant in disease. Therefore, it has been classified as a Variant of Uncertain Significance.

Ambry Genetics
Classification: Uncertain significance for Hereditary cancer-predisposing syndrome. Last evaluated: 2025-11-27. Review status: criteria provided, single submitter. Criteria: Ambry Variant Classification Scheme 2023. Collection method: clinical testing. Allele origin: germline.
Comment: The p.L332P variant (also known as c.995T>C), located in coding exon 8 of the BMPR1A gene, results from a T to C substitution at nucleotide position 995. The leucine at codon 332 is replaced by proline, an amino acid with similar properties. This alteration has been previously identified in an individual from a North American cohort of individuals with early onset colon cancer (Pearlman R et al. JAMA Oncol, 2017 Apr;3:464-471). This amino acid position is highly conserved in available vertebrate species. In addition, this alteration is predicted to be deleterious by in silico analysis. Since supporting evidence is limited at this time, the clinical significance of this alteration remains unclear.

Quest Diagnostics Nichols Institute San Juan Capistrano
Classification: Uncertain significance. Last evaluated: 2021-06-29. Review status: criteria provided, single submitter. Criteria: Quest Diagnostics criteria. Collection method: clinical testing. Allele origin: unknown.

Color Diagnostics, LLC DBA Color Health
Classification: Uncertain significance for Hereditary cancer-predisposing syndrome. Last evaluated: 2019-05-16. Review status: criteria provided, single submitter. Criteria: ACMG Guidelines, 2015. Collection method: clinical testing. Allele origin: germline.

GeneDx
Classification: Uncertain significance. Last evaluated: 2015-07-17. Review status: criteria provided, single submitter. Criteria: GeneDx Variant Classification (06012015). Collection method: clinical testing. Allele origin: germline. Affected: yes.
Comment: This variant is denoted BMPR1A c.995T>C at the cDNA level, p.Leu332Pro (L332P) at the protein level, and results in the change of a Leucine to a Proline (CTT>CCT). This variant has not, to our knowledge, been published in the literature as pathogenic or benign. BMPR1A Leu332Pro was not observed in approximately 6,500 individuals of European and African American ancestry in the NHLBI Exome Sequencing Project, indicating it is not a common benign variant in these populations. Since Leucine and Proline differ in some properties, this is considered a semi-conservative amino acid substitution. BMPR1A Leu332Pro occurs at a position that is conserved across species and is located in Cysteine-rich region of MLH1 domain (Howe 2004). In silico analyses predict that this variant is probably damaging to protein structure and function. Based on currently available information, it is unclear whether BMPR1A Leu332Pro is pathogenic or benign. We consider it to be a variant of uncertain significance.

Literature cited by the submitters: PubMed 27978560 (cited by 3 submitters); PubMed 34326862 (cited by Labcorp Genetics (formerly Invitae), Labcorp).